The following is an entry in ClinVar:

ClinVar aggregate classification (germline): Pathogenic (1 of 4 stars; one submission).

Submission:

GeneDx
Classification: Pathogenic. Last evaluated: 2015-03-21. Review status: criteria provided, single submitter. Criteria: GeneDx Variant Classification (06012015). Collection method: clinical testing. Allele origin: germline. Affected: yes.
Comment: The F68L variant in the RPS6KA3 gene has not been reported previously as pathogenic nor as a benign polymorphism, to our knowledge. The F68L substitution was not observed in approximately 6,500 individuals of European and African American ancestry in the NHLBI Exome Sequencing Project, indicating it is not a common benign variant in these populations. The F68L variant is a conservative amino acid substitution, which occurs at a position that is invariable across species. In silico analysis predicts this variant is probably damaging to the protein structure/function. A different missense variant at the same residue (F68C) has been reported in the Human Gene Mutation Database in association with Coffin-Lowry syndrome (Stenson et al., 2014), supporting the functional importance of this residue in the protein. We interpret F68L as a pathogenic variant.

NM_004586.3(RPS6KA3):c.204T>G (p.Phe68Leu)

Gene: RPS6KA3 (ribosomal protein S6 kinase A3; minus strand). Cytogenetic location: Xp22.12.
Variant type: single nucleotide variant.
Coding change: c.204T>G on transcript NM_004586.3 (MANE Select); coding-DNA position 204, T replaced by G.
Protein change: p.Phe68Leu; replaces phenylalanine 68 with leucine.
Molecular consequence: missense variant.
Genome position (GRCh38, 1-based): chrX:20,209,327, A>C on the plus strand (T>G on the coding strand, the complement: RPS6KA3 is on the minus strand). VCF-style: chrX-20209327-A-C. GRCh37 (hg19) VCF-style: chrX-20227445-A-C.
Other names: short protein forms F68L.
Identifiers: ClinVar variation 379241 (VCV000379241.2), dbSNP rs1057520540, ClinGen allele CA16609164.